The following is an entry in ClinVar:

NM_015335.5(MED13L):c.4339A>G (p.Met1447Val)

Gene: MED13L (mediator complex subunit 13L; minus strand). Cytogenetic location: 12q24.21.
Variant type: single nucleotide variant.
Coding change: c.4339A>G on transcript NM_015335.5 (MANE Select); coding-DNA position 4339, A replaced by G.
Protein change: p.Met1447Val; replaces methionine 1447 with valine.
Molecular consequence: missense variant.
Genome position (GRCh38, 1-based): chr12:115,984,372, T>C on the plus strand (A>G on the coding strand, the complement: MED13L is on the minus strand). VCF-style: chr12-115984372-T-C. GRCh37 (hg19) VCF-style: chr12-116422177-T-C.
Other names: short protein forms M1447V.
Identifiers: ClinVar variation 5039389 (VCV005039389.1).

ClinVar aggregate classification (germline): Uncertain significance (1 of 4 stars; one submission).

Submission:

CeGaT Center for Human Genetics Tuebingen
Classification: Uncertain significance. Last evaluated: 2026-08-01. Review status: criteria provided, single submitter. Criteria: CeGaT Center For Human Genetics Tuebingen Variant Classification Criteria Version 2. Collection method: clinical testing. Allele origin: germline. Affected: yes. Observed: 1 variant allele.
Comment: MED13L: PM2